The following is an entry in ClinVar:

ClinVar aggregate classification (germline): Conflicting classifications of pathogenicity. Review status: criteria provided, conflicting classifications (1 of 4 stars). 3 submissions from 3 submitters: Uncertain significance (2); Likely benign (1). Last evaluated 2025-12-29.

Conditions:
Progressive familial heart block type IB (PFHB1B). Identifiers: Orphanet 871, MedGen C1970298, MONDO:0011474, OMIM 604559.
Cardiovascular phenotype. Identifiers: MedGen CN230736.

Allele frequency attached by ClinVar (database versions not stated): gnomAD exomes 0.00002; ExAC 0.00003; TOPMed 0.00003.

Submissions (3):

Labcorp Genetics (formerly Invitae), Labcorp
Classification: Uncertain significance for Progressive familial heart block type IB. Last evaluated: 2025-12-29. Review status: criteria provided, single submitter. Criteria: Invitae Variant Classification Sherloc (09022015). Collection method: clinical testing. Allele origin: germline.
Comment: This sequence change replaces glutamic acid, which is acidic and polar, with glycine, which is neutral and non-polar, at codon 497 of the TRPM4 protein (p.Glu497Gly). This variant is present in population databases (rs753611182, gnomAD 0.02%). This missense change has been observed in individual(s) with sudden unexplained death (PMID: 30391667). ClinVar contains an entry for this variant (Variation ID: 960629). An algorithm developed to predict the effect of missense changes on protein structure and function (PolyPhen-2) suggests that this variant is likely to be tolerated. In summary, the available evidence is currently insufficient to determine the role of this variant in disease. Therefore, it has been classified as a Variant of Uncertain Significance.

Ambry Genetics
Classification: Likely benign for Cardiovascular phenotype. Last evaluated: 2024-01-02. Review status: criteria provided, single submitter. Criteria: Ambry Variant Classification Scheme 2023. Collection method: clinical testing. Allele origin: germline.

Blueprint Genetics
Classification: Uncertain significance. Last evaluated: 2021-11-30. Review status: criteria provided, single submitter. Criteria: ACMG Guidelines, 2015. Collection method: clinical testing. Allele origin: germline.

Literature cited by the submitters: PubMed 30391667 (cited by Labcorp Genetics (formerly Invitae), Labcorp and Ambry Genetics); PubMed 29247119 (cited by Ambry Genetics).

NM_017636.4(TRPM4):c.1490A>G (p.Glu497Gly)

Gene: TRPM4 (transient receptor potential cation channel subfamily M member 4; plus strand). Cytogenetic location: 19q13.33.
Variant type: single nucleotide variant.
Coding change: c.1490A>G on transcript NM_017636.4 (MANE Select); coding-DNA position 1490, A replaced by G.
Protein change: p.Glu497Gly; replaces glutamic acid 497 with glycine.
Molecular consequence: missense variant. On other transcripts: 5 prime UTR variant (1).
Genome position (GRCh38, 1-based): chr19:49,182,804, A>G. VCF-style: chr19-49182804-A-G. GRCh37 (hg19) VCF-style: chr19-49686061-A-G.
Other names: c.1490A>G, p.Glu497Gly (NM_001195227.2); c.1145A>G, p.Glu382Gly (NM_001321281.2); c.-64A>G (NM_001321282.2); c.968A>G, p.Glu323Gly (NM_001321283.2); c.428A>G, p.Glu143Gly (NM_001321285.2); short protein forms E497G, E143G, E323G, E382G.
Identifiers: ClinVar variation 960629 (VCV000960629.12), dbSNP rs753611182, ClinGen allele CA9569207.